The following is an entry in ClinVar:

NM_000022.4(ADA):c.*282C>T

Gene: ADA (adenosine deaminase; minus strand). Cytogenetic location: 20q13.12.
Variant type: single nucleotide variant.
Coding change: c.*282C>T on transcript NM_000022.4 (MANE Select); 282 bases downstream of the stop codon, C replaced by T.
Molecular consequence: 3 prime UTR variant. On other transcripts: non-coding transcript variant (1).
Genome position (GRCh38, 1-based): chr20:44,619,552, G>A on the plus strand (C>T on the coding strand, the complement: ADA is on the minus strand). VCF-style: chr20-44619552-G-A. GRCh37 (hg19) VCF-style: chr20-43248193-G-A.
Other names: c.*282C>T (NM_001322050.2, NM_001322051.2).
Identifiers: ClinVar variation 338500 (VCV000338500.5), dbSNP rs188755077, ClinGen allele CA10653140.
Genomic context (GRCh38, chr20:44,619,552, plus strand): 5'-CCCAAGACCACCAAATTACATGCCACCTGCTGCATGCCACCAGCCATGGGCTTCTTTATT[G>A]AGCACCAGATTTTCAGTACAAGTTGCCACAGAAGGAGGGTTTCAGATTCAACCATGCCCA-3'

ClinVar aggregate classification (germline): Likely benign (1 of 4 stars; one submission).

Conditions:
Severe combined immunodeficiency, autosomal recessive, T cell-negative, B cell-negative, NK cell-negative, due to adenosine deaminase deficiency. Also called: ADA-SCID; SCID DUE TO ADA DEFICIENCY; SCID DUE TO ADA DEFICIENCY, EARLY-ONSET; ADA deficiency; Adenosine deaminase deficient severe combined immunodeficiency; Severe combined immunodeficiency due to ADA deficiency. Identifiers: Orphanet 277, MedGen C0392607, MONDO:0007064, OMIM 102700.

Allele frequency attached by ClinVar (database versions not stated): TOPMed 0.00053; gnomAD 0.00055 and 0.00056; 1000 Genomes Project 30x 0.00062; gnomAD exomes 0.00066; 1000 Genomes Project 0.00080.
gnomAD v4.1: 281 of 447,630 alleles (0.063%); highest among the groups gnomAD compares: Non-Finnish European, 0.098%; no homozygotes.

Submission:

Illumina Laboratory Services, Illumina
Classification: Likely benign for Severe combined immunodeficiency, autosomal recessive, T cell-negative, B cell-negative, NK cell-negative, due to adenosine deaminase deficiency. Last evaluated: 2018-01-12. Review status: criteria provided, single submitter. Criteria: ICSL Variant Classification Criteria 13 December 2019. Collection method: clinical testing. Allele origin: germline.
Comment: This variant was observed in the ICSL laboratory as part of a predisposition screen in an ostensibly healthy population. It had not been previously curated by ICSL or reported in the Human Gene Mutation Database (HGMD: prior to June 1st, 2018), and was therefore a candidate for classification through an automated scoring system. Utilizing variant allele frequency, disease prevalence and penetrance estimates, and inheritance mode, an automated score was calculated to assess if this variant is too frequent to cause the disease. Based on the score and internal cut-off values, a variant classified as likely benign is not then subjected to further curation. The score for this variant resulted in a classification of likely benign for this disease.